The following is an entry in ClinVar:

ClinVar aggregate classification (germline): Uncertain significance (1 of 4 stars; one submission).

Submission:

Labcorp Genetics (formerly Invitae), Labcorp
Classification: Uncertain significance. Last evaluated: 2024-03-02. Review status: criteria provided, single submitter. Criteria: Invitae Variant Classification Sherloc (09022015). Collection method: clinical testing. Allele origin: germline.
Comment: This sequence change replaces serine, which is neutral and polar, with threonine, which is neutral and polar, at codon 1666 of the POLR1A protein (p.Ser1666Thr). This variant is not present in population databases (gnomAD no frequency). This variant has not been reported in the literature in individuals affected with POLR1A-related conditions. Advanced modeling of protein sequence and biophysical properties (such as structural, functional, and spatial information, amino acid conservation, physicochemical variation, residue mobility, and thermodynamic stability) performed at Invitae indicates that this missense variant is not expected to disrupt POLR1A protein function with a negative predictive value of 80%. In summary, the available evidence is currently insufficient to determine the role of this variant in disease. Therefore, it has been classified as a Variant of Uncertain Significance.

NM_015425.6(POLR1A):c.4996T>A (p.Ser1666Thr)

Gene: POLR1A (RNA polymerase I subunit A; minus strand). Cytogenetic location: 2p11.2.
Variant type: single nucleotide variant.
Coding change: c.4996T>A on transcript NM_015425.6 (MANE Select); coding-DNA position 4996, T replaced by A.
Protein change: p.Ser1666Thr; replaces serine 1666 with threonine.
Molecular consequence: missense variant.
Genome position (GRCh38, 1-based): chr2:86,027,951, A>T on the plus strand (T>A on the coding strand, the complement: POLR1A is on the minus strand). VCF-style: chr2-86027951-A-T. GRCh37 (hg19) VCF-style: chr2-86255074-A-T.
Other names: short protein forms S1666T.
Identifiers: ClinVar variation 3633016 (VCV003633016.2).
Genomic context (GRCh38, chr2:86,027,951, plus strand): 5'-TGGTGGCTTGCTTCAGAAACTGGAAGCTGGTTTCAAATGTCATCTGCTGTAGCGGGGAAG[A>T]GTTTGACCGGATCCCAAAGCGATTCAGTGGCTTGTAAACACCCTCGAAGCACATATAATC-3'
Protein context (NP_056240.2, residues 1656-1676): PLNRFGIRSN[Ser1666Thr]SPLQQMTFET